The following is an entry in ClinVar:

ClinVar aggregate classification (germline): Likely pathogenic (1 of 4 stars; one submission).

Conditions:
Early-infantile DEE. Also called: Early infantile epileptic encephalopathy with suppression bursts; Early infantile epileptic encephalopathy; Ohtahara syndrome. Identifiers: Orphanet 1934, MedGen C0393706, MONDO:0800491.

Submission:

Labcorp Genetics (formerly Invitae), Labcorp
Classification: Likely pathogenic for Early-infantile DEE. Last evaluated: 2020-11-17. Review status: criteria provided, single submitter. Criteria: Invitae Variant Classification Sherloc (09022015). Collection method: clinical testing. Allele origin: germline.
Comment: This sequence change replaces valine with glycine at codon 967 of the SCN8A protein (p.Val967Gly). The valine residue is highly conserved and there is a moderate physicochemical difference between valine and glycine. This variant is not present in population databases (ExAC no frequency). This variant has been observed in individual(s) with clinical features of SCN8A-related conditions (Invitae). In at least one individual the variant was observed to be de novo. ClinVar contains an entry for this variant (Variation ID: 650755). Algorithms developed to predict the effect of missense changes on protein structure and function are either unavailable or do not agree on the potential impact of this missense change (SIFT: "Deleterious"; PolyPhen-2: "Probably Damaging"; Align-GVGD: "Class C0"). Algorithms developed to predict the effect of sequence changes on RNA splicing suggest that this variant may disrupt the consensus splice site, but this prediction has not been confirmed by published transcriptional studies. In summary, the currently available evidence indicates that the variant is pathogenic, but additional data are needed to prove that conclusively. Therefore, this variant has been classified as Likely Pathogenic.

NM_001330260.2(SCN8A):c.2900T>G (p.Val967Gly)

Gene: SCN8A (sodium voltage-gated channel alpha subunit 8; plus strand). Cytogenetic location: 12q13.13.
Variant type: single nucleotide variant.
Coding change: c.2900T>G on transcript NM_001330260.2 (MANE Select); coding-DNA position 2900, T replaced by G.
Protein change: p.Val967Gly; replaces valine 967 with glycine.
Molecular consequence: missense variant.
Genome position (GRCh38, 1-based): chr12:51,766,026, T>G. VCF-style: chr12-51766026-T-G. GRCh37 (hg19) VCF-style: chr12-52159810-T-G.
Other names: c.2900T>G, p.Val967Gly (NM_001177984.3, NM_001369788.1, NM_014191.4); short protein forms V967G.
Identifiers: ClinVar variation 650755 (VCV000650755.11), dbSNP rs1592149906, ClinGen allele CA384890258.